The following is an entry in ClinVar:

ClinVar aggregate classification (germline): Uncertain significance (1 of 4 stars; one submission).

Conditions:
ALG9 congenital disorder of glycosylation (CDG1L). Also called: CDG Il; CONGENITAL DISORDER OF GLYCOSYLATION, TYPE Il; ALG9-CDG. Identifiers: Orphanet 79328, MedGen C2931006, MONDO:0012117, OMIM 608776.

Submission:

Labcorp Genetics (formerly Invitae), Labcorp
Classification: Uncertain significance for ALG9 congenital disorder of glycosylation. Last evaluated: 2025-02-04. Review status: criteria provided, single submitter. Criteria: Invitae Variant Classification Sherloc (09022015). Collection method: clinical testing. Allele origin: germline.
Comment: This sequence change replaces leucine, which is neutral and non-polar, with proline, which is neutral and non-polar, at codon 398 of the ATP6V0A2 protein (p.Leu398Pro). This variant is not present in population databases (gnomAD no frequency). This variant has not been reported in the literature in individuals affected with ATP6V0A2-related conditions. An algorithm developed to predict the effect of missense changes on protein structure and function (PolyPhen-2) suggests that this variant is likely to be tolerated. In summary, the available evidence is currently insufficient to determine the role of this variant in disease. Therefore, it has been classified as a Variant of Uncertain Significance.

NM_012463.4(ATP6V0A2):c.1193T>C (p.Leu398Pro)

Gene: ATP6V0A2 (ATPase H+ transporting V0 subunit a2; plus strand). Cytogenetic location: 12q24.31.
Variant type: single nucleotide variant.
Coding change: c.1193T>C on transcript NM_012463.4 (MANE Select); coding-DNA position 1193, T replaced by C.
Protein change: p.Leu398Pro; replaces leucine 398 with proline.
Molecular consequence: missense variant.
Genome position (GRCh38, 1-based): chr12:123,744,204, T>C. VCF-style: chr12-123744204-T-C. GRCh37 (hg19) VCF-style: chr12-124228751-T-C.
Other names: short protein forms L398P.
Identifiers: ClinVar variation 4739136 (VCV004739136.1).
Genomic context (GRCh38, chr12:123,744,204, plus strand): 5'-AACTCAGGTTTTCCATATTTGCTGTGAATCAGAAATCTCTTTCCCTTTTTTCTGCAGCTC[T>C]CTTTACCATCATCACCTTCCCGTTTTTATTTGCTGTGATGTTTGGAGACTTCGGACATGG-3'
Protein context (NP_036595.2, residues 388-408): VGSYREVNPA[Leu398Pro]FTIITFPFLF